The following is an entry in ClinVar:

NM_052947.4(ALPK2):c.3586G>C (p.Val1196Leu)

Gene: ALPK2 (alpha kinase 2; minus strand). Cytogenetic location: 18q21.31.
Variant type: single nucleotide variant.
Coding change: c.3586G>C on transcript NM_052947.4 (MANE Select); coding-DNA position 3586, G replaced by C.
Protein change: p.Val1196Leu; replaces valine 1196 with leucine.
Molecular consequence: missense variant.
Genome position (GRCh38, 1-based): chr18:58,536,601, C>G on the plus strand (G>C on the coding strand, the complement: ALPK2 is on the minus strand). VCF-style: chr18-58536601-C-G. GRCh37 (hg19) VCF-style: chr18-56203833-C-G.
Other names: short protein forms V1196L.
Identifiers: ClinVar variation 1732948 (VCV001732948.2), dbSNP rs778411333, ClinGen allele CA402566414.

ClinVar aggregate classification (germline): Uncertain significance (1 of 4 stars; one submission).

Allele frequency attached by ClinVar (database versions not stated): TOPMed below 0.00001; gnomAD 0.00001.
gnomAD v4.1: 10 of 1,614,040 alleles (0.00062%); highest among the groups gnomAD compares: Non-Finnish European, 0.00085%; no homozygotes.

Submission:

Ambry Genetics
Classification: Uncertain significance. Last evaluated: 2023-12-08. Review status: criteria provided, single submitter. Criteria: Ambry Variant Classification Scheme 2023. Collection method: clinical testing. Allele origin: germline.
Comment: The p.V1196L variant (also known as c.3586G>C), located in coding exon 4 of the ALPK2 gene, results from a G to C substitution at nucleotide position 3586. The valine at codon 1196 is replaced by leucine, an amino acid with highly similar properties. This amino acid position is conserved. In addition, this alteration is predicted to be tolerated by in silico analysis. Since supporting evidence is limited at this time, the clinical significance of this alteration remains unclear.